The following is an entry in ClinVar:

ClinVar aggregate classification (germline): Likely benign. Review status: criteria provided, multiple submitters, no conflicts (2 of 4 stars). 4 submissions from 4 submitters: Likely benign (4). Last evaluated 2025-05-06.

Conditions:
Brain small vessel disease 2A, autosomal dominant. Also called: Porencephaly 2. Identifiers: Orphanet 2940, Orphanet 99810, MedGen C3280970, MONDO:0013773, OMIM 614483.

Allele frequency attached by ClinVar (database versions not stated): TOPMed 0.00001; ExAC 0.00003; gnomAD 0.00003 and 0.00004; gnomAD exomes 0.00003 and 0.00005.
gnomAD v4.1: 33 of 1,597,744 alleles (0.0021%); highest among the groups gnomAD compares: Non-Finnish European, 0.0028%; no homozygotes.

Submissions (4):

Women's Health and Genetics/Laboratory Corporation of America, LabCorp
Classification: Likely benign. Last evaluated: 2025-05-06. Review status: criteria provided, single submitter. Criteria: LabCorp Variant Classification Summary - May 2015. Collection method: clinical testing. Allele origin: germline.

Blueprint Genetics
Classification: Likely benign. Last evaluated: 2023-11-21. Review status: criteria provided, single submitter. Criteria: ACMG Guidelines, 2015. Collection method: clinical testing. Allele origin: germline.

Labcorp Genetics (formerly Invitae), Labcorp
Classification: Likely benign. Last evaluated: 2022-04-19. Review status: criteria provided, single submitter. Criteria: Invitae Variant Classification Sherloc (09022015). Collection method: clinical testing. Allele origin: germline.

Illumina Laboratory Services, Illumina
Classification: Likely benign for Brain small vessel disease 2A, autosomal dominant. Last evaluated: 2018-03-06. Review status: criteria provided, single submitter. Criteria: ICSL Variant Classification Criteria 13 December 2019. Collection method: clinical testing. Allele origin: germline.
Comment: This variant was observed in the ICSL laboratory as part of a predisposition screen in an ostensibly healthy population. It had not been previously curated by ICSL or reported in the Human Gene Mutation Database (HGMD: prior to June 1st, 2018), and was therefore a candidate for classification through an automated scoring system. Utilizing variant allele frequency, disease prevalence and penetrance estimates, and inheritance mode, an automated score was calculated to assess if this variant is too frequent to cause the disease. Based on the score and internal cut-off values, a variant classified as likely benign is not then subjected to further curation. The score for this variant resulted in a classification of likely benign for this disease.

NM_001846.4(COL4A2):c.2553G>T (p.Gly851=)

Gene: COL4A2 (collagen type IV alpha 2 chain; plus strand). Cytogenetic location: 13q34.
Variant type: single nucleotide variant.
Coding change: c.2553G>T on transcript NM_001846.4 (MANE Select); coding-DNA position 2553, G replaced by T.
Protein change: p.Gly851=; no amino-acid change (glycine 851 retained).
Molecular consequence: synonymous variant.
Genome position (GRCh38, 1-based): chr13:110,478,130, G>T. VCF-style: chr13-110478130-G-T. GRCh37 (hg19) VCF-style: chr13-111130477-G-T.
Identifiers: ClinVar variation 881659 (VCV000881659.10), dbSNP rs764978267, ClinGen allele CA7049938.